The following continues an entry in ClinVar:

NM_000256.3(MYBPC3):c.821+1G>A

Gene: MYBPC3. ClinVar aggregate classification (germline): Pathogenic/Likely pathogenic. Pathogenic (28); Likely pathogenic (1).

Submissions 24 to 32 of 32:

Loeys Lab, Universiteit Antwerpen
Classification: Pathogenic for Primary dilated cardiomyopathy. Last evaluated: 2021-02-26. Review status: criteria provided, single submitter. Criteria: ACMG Guidelines, 2015. Collection method: clinical testing. Allele origin: somatic. Affected: yes. Observed: 3 variant alleles, 3 heterozygotes.
Comment: This sequence change results in a frameshift variant in the MYBPC3 gene resulting in loss-of function and haploinsufficiency, which is a known disease mechanism(PVS1). The variant affects a highly conserved nucleotide in the splice donor consensus sequence, inactivating this donor site. Several prediction programs expect an effect on splicing (PP3) (SpliceSiteFinder-Like; MaxEntScan, NNSPLICE;Human SplicingFinder). The splicing was confirmed by the presence of exon-7 skipping on cDNA from patient lymphocytes. The aberrant cDNA resulted in a frameshift and a premature termination of translation resulting in a large truncated protein (-80%) lacking the MyBP-C motif containing the phosphorylation sites and the titin and myosin binding sites (PMID: 9048664). This variant is present in population databases (GnomAD 5/ 172994). This variant has been reported in the literature in several families with HCM and showed co-seggregation with HCM in three distinct families (PP1strong) (PMID: 9562578; PMID: 11499719; PMID: 15519027; PMID: 12707239). We identified this variant in a DCM patient and a patients with HCM. In conclusion this variant was classified as a pathogenic variant according to ACMG-guidelines (PVS1; PP1strong;PP3).

Women's Health and Genetics/Laboratory Corporation of America, LabCorp
Classification: Pathogenic for Primary familial hypertrophic cardiomyopathy. Last evaluated: 2019-07-06. Review status: criteria provided, single submitter. Criteria: LabCorp Variant Classification Summary - May 2015. Collection method: clinical testing. Allele origin: germline.
Comment: Variant summary: MYBPC3 c.821+1G>A is located in a canonical splice-site and is predicted to affect mRNA splicing resulting in a significantly altered protein due to either exon skipping, shortening, or inclusion of intronic material. Several computational tools predict a significant impact on normal splicing: Four predict the variant abolishes a 5' splicing donor site. At least one publication reports experimental evidence that this variant affects mRNA splicing leading to two aberrant transcripts with skipping of either exon 7 alone or exons 7 and 8. Both transcripts led to frame shifts and premature stop codons in exon 9 (Erdmann_2001). The variant allele was found at a frequency of 2.9e-05 in 172994 control chromosomes. c.821+1G>A has been reported in the literature in multiple individuals affected with Hypertrophic Cardiomyopathy (Niimura_1998, Erdmann_2001, Murphy_2016, Viswanathan_2018). These data indicate that the variant is very likely to be associated with disease. Three clinical diagnostic laboratories have submitted clinical-significance assessments for this variant to ClinVar after 2014 without evidence for independent evaluation. All laboratories classified the variant as pathogenic. Based on the evidence outlined above, the variant was classified as pathogenic.

Laboratory for Molecular Medicine, Mass General Brigham Personalized Medicine
Classification: Pathogenic for Hypertrophic cardiomyopathy. Last evaluated: 2013-12-12. Review status: criteria provided, single submitter. Criteria: LMM Criteria. Collection method: clinical testing. Allele origin: germline. Inheritance: Autosomal dominant inheritance. Observed: 8 variant alleles.
Comment: The c.821+1G>A variant in MYBPC3 has been previously reported in at least 3 indi viduals with HCM and segregated with disease in 7 affected relatives from 2 fami lies (Nimura 1998, Erdmann 2001, VanDriest 2004). This variant has also been ide ntified by our laboratory in 5 other individuals with HCM and segregated with di sease in 2 affected relatives from one family. Data from large population studi es are insufficient to assess the frequency of this variant in the general popul ation. This variant occurs in the invariant region (+/- 1,2) of the splice conse nsus sequence and has been demonstrated to cause altered splicing (Erdmann 2001) . In summary, this variant meets our criteria to be classified as pathogenic based upon consistency with the established diseas e causing mechanism.

Stanford Center for Inherited Cardiovascular Disease, Stanford University
Classification: Likely pathogenic. Last evaluated: 2012-01-03. Review status: criteria provided, single submitter. Criteria: ACMG Guidelines, 2015. Collection method: provider interpretation. Allele origin: germline.

Juno Genomics, Hangzhou Juno Genomics, Inc
Classification: Pathogenic for Hypertrophic cardiomyopathy 4. Review status: criteria provided, single submitter. Criteria: ACMG Guidelines, 2015. Collection method: clinical testing. Allele origin: germline.
Comment: Absent from controls (or at extremely low frequency if recessive) in Genome Aggregation Database.;Null variant in a gene where loss of function (LOF) is a known mechanism of disease.;The prevalence of the variant in affected individuals is significantly increased compared to the prevalence in controls.;Co-segregation with disease in multiple affected family members.

Molecular Diagnostic Laboratory for Inherited Cardiovascular Disease, Montreal Heart Institute
Classification: Pathogenic for Primary familial hypertrophic cardiomyopathy. Review status: criteria provided, single submitter. Criteria: ACMG Guidelines, 2015. Collection method: clinical testing. Allele origin: germline. Affected: yes.

Clinical Genetics DNA and cytogenetics Diagnostics Lab, Erasmus MC, Erasmus Medical Center
Classification: Pathogenic. Review status: no assertion criteria provided. Collection method: clinical testing. Allele origin: germline. Affected: yes. Study: VKGL Data-share Consensus. Not counted in ClinVar's aggregate classification.

Clinical Genetics, Academic Medical Center
Classification: Pathogenic. Review status: no assertion criteria provided. Collection method: clinical testing. Allele origin: germline. Affected: yes. Study: VKGL Data-share Consensus. Not counted in ClinVar's aggregate classification.

Joint Genome Diagnostic Labs from Nijmegen and Maastricht, Radboudumc and MUMC+
Classification: Pathogenic. Review status: no assertion criteria provided. Collection method: clinical testing. Allele origin: germline. Affected: yes. Study: VKGL Data-share Consensus. Not counted in ClinVar's aggregate classification.

Literature cited by the submitters: PubMed 9562578 (cited by 9 submitters); PubMed 11499718 (cited by 4 submitters); PubMed 11499719 (cited by 8 submitters); PubMed 15519027 (cited by 3 submitters); PubMed 26914223 (cited by 6 submitters); PubMed 21959974 (cited by Color Diagnostics, LLC DBA Color Health and All of Us Research Program, National Institutes of Health); PubMed 24510615 (cited by 3 submitters); PubMed 27532257 (cited by 3 submitters); PubMed 29121657 (cited by 4 submitters); PubMed 30165862 (cited by 4 submitters); PubMed 35027292 (cited by Color Diagnostics, LLC DBA Color Health and All of Us Research Program, National Institutes of Health); PubMed 35581137 (cited by Color Diagnostics, LLC DBA Color Health and All of Us Research Program, National Institutes of Health); PubMed 22267749 (cited by 3billion); PubMed 2552433 (cited by 3billion); PubMed 31737537 (cited by 3billion); PubMed 7493026 (cited by Molecular Genetics, Royal Melbourne Hospital); PubMed 9048664 (cited by Molecular Genetics, Royal Melbourne Hospital and Loeys Lab, Universiteit Antwerpen); PubMed 17823372 (cited by Molecular Genetics, Royal Melbourne Hospital); PubMed 37652022 (cited by Molecular Genetics, Royal Melbourne Hospital); PubMed 38094187 (cited by Molecular Genetics, Royal Melbourne Hospital); PubMed 31028938 (cited by Ambry Genetics); PubMed 12707239 (cited by Loeys Lab, Universiteit Antwerpen).